The following is an entry in ClinVar:

NM_000222.3(KIT):c.10G>A (p.Ala4Thr)

Gene: KIT (KIT proto-oncogene, receptor tyrosine kinase; plus strand). Cytogenetic location: 4q12.
Variant type: single nucleotide variant.
Coding change: c.10G>A on transcript NM_000222.3 (MANE Select); coding-DNA position 10, G replaced by A.
Protein change: p.Ala4Thr; replaces alanine 4 with threonine.
Molecular consequence: missense variant.
Genome position (GRCh38, 1-based): chr4:54,658,024, G>A. VCF-style: chr4-54658024-G-A. GRCh37 (hg19) VCF-style: chr4-55524191-G-A.
Other names: c.10G>A, p.Ala4Thr (NM_001385284.1, NM_001385285.1, NM_001385286.1 and 4 more transcripts); short protein forms A4T.
Identifiers: ClinVar variation 2118383 (VCV002118383.5), dbSNP rs1192807264, ClinGen allele CA356897845.

ClinVar aggregate classification (germline): Uncertain significance. Review status: criteria provided, multiple submitters, no conflicts (2 of 4 stars). 2 submissions from 2 submitters: Uncertain significance (2). Last evaluated 2025-09-21.

Conditions:
Hereditary cancer-predisposing syndrome. Also called: Hereditary Cancer Syndrome; Hereditary neoplastic syndrome; Neoplastic Syndromes, Hereditary; Tumor predisposition. Identifiers: Orphanet 140162, MedGen C0027672, MeSH D009386, MONDO:0015356.
Gastrointestinal stromal tumor. Also called: Gastrointestinal stroma tumor; Gastrointestinal stromal tumor, somatic. Identifiers: Orphanet 44890, MedGen C0238198, MeSH D046152, MONDO:0011719, OMIM 606764, HP:0100723.

gnomAD v4.1: 2 of 1,613,740 alleles (0.00012%); no homozygotes.

Submissions (2):

Labcorp Genetics (formerly Invitae), Labcorp
Classification: Uncertain significance for Gastrointestinal stromal tumor. Last evaluated: 2025-09-21. Review status: criteria provided, single submitter. Criteria: Invitae Variant Classification Sherloc (09022015). Collection method: clinical testing. Allele origin: germline.
Comment: This sequence change replaces alanine, which is neutral and non-polar, with threonine, which is neutral and polar, at codon 4 of the KIT protein (p.Ala4Thr). This variant is present in population databases (no rsID available, gnomAD no frequency). This variant has not been reported in the literature in individuals affected with KIT-related conditions. ClinVar contains an entry for this variant (Variation ID: 2118383). An algorithm developed to predict the effect of missense changes on protein structure and function (PolyPhen-2) suggests that this variant is likely to be disruptive. In summary, the available evidence is currently insufficient to determine the role of this variant in disease. Therefore, it has been classified as a Variant of Uncertain Significance.

Ambry Genetics
Classification: Uncertain significance for Hereditary cancer-predisposing syndrome. Last evaluated: 2025-09-04. Review status: criteria provided, single submitter. Criteria: Ambry Variant Classification Scheme 2023. Collection method: clinical testing. Allele origin: germline.
Comment: The p.A4T variant (also known as c.10G>A), located in coding exon 1 of the KIT gene, results from a G to A substitution at nucleotide position 10. The alanine at codon 4 is replaced by threonine, an amino acid with similar properties. This amino acid position is highly conserved in available vertebrate species. In addition, this alteration is predicted to be tolerated by in silico analysis. Based on the available evidence, the clinical significance of this variant remains unclear.